The following is an entry in ClinVar:

NM_182961.4(SYNE1):c.14105C>T (p.Thr4702Ile)

Gene: SYNE1 (spectrin repeat containing nuclear envelope protein 1; minus strand). Cytogenetic location: 6q25.2.
Variant type: single nucleotide variant.
Coding change: c.14105C>T on transcript NM_182961.4 (MANE Select); coding-DNA position 14105, C replaced by T.
Protein change: p.Thr4702Ile; replaces threonine 4702 with isoleucine.
Molecular consequence: missense variant.
Genome position (GRCh38, 1-based): chr6:152,330,580, G>A on the plus strand (C>T on the coding strand, the complement: SYNE1 is on the minus strand). VCF-style: chr6-152330580-G-A. GRCh37 (hg19) VCF-style: chr6-152651715-G-A.
Other names: c.13892C>T, p.Thr4631Ile (NM_033071.5); short protein forms T4631I, T4702I.
Identifiers: ClinVar variation 3760624 (VCV003760624.2).

ClinVar aggregate classification (germline): Uncertain significance (1 of 4 stars; one submission).

Conditions:
Emery-Dreifuss muscular dystrophy 4, autosomal dominant (EDMD4). Also called: EMERY-DREIFUSS MUSCULAR DYSTROPHY 4 WITH VARIABLE FEATURES. Identifiers: Orphanet 261, MedGen C2751807, MONDO:0013071, OMIM 612998.
Autosomal recessive ataxia, Beauce type. Also called: Spinocerebellar ataxia, autosomal recessive 8; ATAXIA, RECESSIVE, OF BEAUCE; SYNE1-Related Autosomal Recessive Cerebellar Ataxia; SYNE1 Deficiency. Identifiers: Orphanet 88644, MedGen C1853116, MONDO:0012549, OMIM 610743.

gnomAD v4.1: 3 of 1,613,836 alleles (0.00019%); highest among the groups gnomAD compares: African/African-American, 0.0013%; no homozygotes.

Submission:

Labcorp Genetics (formerly Invitae), Labcorp
Classification: Uncertain significance for Emery-Dreifuss muscular dystrophy 4, autosomal dominant; Autosomal recessive ataxia, Beauce type. Last evaluated: 2024-07-16. Review status: criteria provided, single submitter. Criteria: Invitae Variant Classification Sherloc (09022015). Collection method: clinical testing. Allele origin: germline.
Comment: This sequence change replaces threonine, which is neutral and polar, with isoleucine, which is neutral and non-polar, at codon 4631 of the SYNE1 protein (p.Thr4631Ile). This variant is present in population databases (rs557343276, gnomAD 0.003%). This variant has not been reported in the literature in individuals affected with SYNE1-related conditions. An algorithm developed to predict the effect of missense changes on protein structure and function (PolyPhen-2) suggests that this variant is likely to be tolerated. In summary, the available evidence is currently insufficient to determine the role of this variant in disease. Therefore, it has been classified as a Variant of Uncertain Significance.